The following is an entry in ClinVar:

NM_016284.5(CNOT1):c.1105C>T (p.Arg369Cys)

Gene: CNOT1 (CCR4-NOT transcription complex subunit 1; minus strand). Cytogenetic location: 16q21.
Variant type: single nucleotide variant.
Coding change: c.1105C>T on transcript NM_016284.5 (MANE Select); coding-DNA position 1105, C replaced by T.
Protein change: p.Arg369Cys; replaces arginine 369 with cysteine.
Molecular consequence: missense variant. On other transcripts: non-coding transcript variant (1).
Genome position (GRCh38, 1-based): chr16:58,581,455, G>A on the plus strand (C>T on the coding strand, the complement: CNOT1 is on the minus strand). VCF-style: chr16-58581455-G-A. GRCh37 (hg19) VCF-style: chr16-58615359-G-A.
Other names: c.1105C>T (NM_016284.3); c.1105C>T, p.Arg369Cys (NM_001265612.2, NM_206999.3); short protein forms R369C.
Identifiers: ClinVar variation 3666022 (VCV003666022.3).
Genomic context (GRCh38, chr16:58,581,455, plus strand): 5'-CTTCCATACCCAAACCCCTCTGAATGCCATAAACCACATTATGAAGTCCTTTACTGTCAC[G>A]AATTTGAAATCCAGGATGGTCCAGTTCATAAGTTACTTCCTTGAAATTCAAACTTGGATT-3'
Protein context (NP_057368.3, residues 359-379): YELDHPGFQI[Arg369Cys]DSKGLHNVVY

ClinVar aggregate classification (germline): Uncertain significance. Review status: criteria provided, multiple submitters, no conflicts (2 of 4 stars). 2 submissions from 2 submitters: Uncertain significance (2). Last evaluated 2025-02-12.

Conditions:
Inborn genetic diseases. Identifiers: MedGen C0950123, MeSH D030342.

gnomAD v4.1: 26 of 1,613,790 alleles (0.0016%); highest among the groups gnomAD compares: African/African-American, 0.023%; no homozygotes.

Submissions (2):

Ambry Genetics
Classification: Uncertain significance for Inborn genetic diseases. Last evaluated: 2025-02-12. Review status: criteria provided, single submitter. Criteria: Ambry Variant Classification Scheme 2023. Collection method: clinical testing. Allele origin: germline.

Labcorp Genetics (formerly Invitae), Labcorp
Classification: Uncertain significance. Last evaluated: 2024-12-19. Review status: criteria provided, single submitter. Criteria: Invitae Variant Classification Sherloc (09022015). Collection method: clinical testing. Allele origin: germline.
Comment: This sequence change replaces arginine, which is basic and polar, with cysteine, which is neutral and slightly polar, at codon 369 of the CNOT1 protein (p.Arg369Cys). This variant is present in population databases (rs371890421, gnomAD 0.02%). This variant has not been reported in the literature in individuals affected with CNOT1-related conditions. An algorithm developed to predict the effect of missense changes on protein structure and function (PolyPhen-2) suggests that this variant is likely to be disruptive. In summary, the available evidence is currently insufficient to determine the role of this variant in disease. Therefore, it has been classified as a Variant of Uncertain Significance.